The following is an entry in ClinVar:

ClinVar aggregate classification (germline): Benign/Likely benign. Review status: criteria provided, multiple submitters, no conflicts (2 of 4 stars). 7 submissions from 7 submitters: Benign (1); Likely benign (5). 1 of the submissions does not count toward it. Last evaluated 2025-12-07.

Conditions:
Familial cancer of breast. Also called: BREAST CANCER, FAMILIAL; hereditary breast carcinoma; Hereditary breast cancer. Identifiers: Orphanet 227535, MedGen C0346153, MONDO:0016419, OMIM 114480. Disease mechanism: loss of function.
Hereditary cancer-predisposing syndrome. Also called: Tumor predisposition; Hereditary Cancer Syndrome; Hereditary neoplastic syndrome; Neoplastic Syndromes, Hereditary. Identifiers: Orphanet 140162, MedGen C0027672, MeSH D009386, MONDO:0015356.
Ataxia-telangiectasia syndrome (AT). Also called: LOUIS-BAR SYNDROME; Cerebello-oculocutaneous telangiectasia; Immunodeficiency with ataxia telangiectasia; ATAXIA-TELANGIECTASIA, COMPLEMENTATION GROUP A; ATAXIA-TELANGIECTASIA, FRESNO VARIANT; Ataxia-telangiectasia. Identifiers: Orphanet 100, MedGen C0004135, MONDO:0008840, OMIM 208900.

Allele frequency attached by ClinVar (database versions not stated): TOPMed below 0.00001; gnomAD 0.00001; gnomAD exomes 0.00001; ExAC 0.00002.
gnomAD v4.1: 20 of 1,614,010 alleles (0.0012%); highest among the groups gnomAD compares: Middle Eastern, 0.016%; no homozygotes.

Submissions (7):

Labcorp Genetics (formerly Invitae), Labcorp
Classification: Likely benign for Ataxia-telangiectasia syndrome. Last evaluated: 2025-12-07. Review status: criteria provided, single submitter. Criteria: Invitae Variant Classification Sherloc (09022015). Collection method: clinical testing. Allele origin: germline.

Athena Diagnostics
Classification: Likely benign. Last evaluated: 2024-08-29. Review status: criteria provided, single submitter. Criteria: Athena Diagnostics Criteria. Collection method: clinical testing. Allele origin: unknown.

Myriad Genetics, Inc.
Classification: Benign for Familial cancer of breast. Last evaluated: 2024-05-09. Review status: criteria provided, single submitter. Criteria: Myriad Autosomal Dominant, Autosomal Recessive and X-Linked Classification Criteria (2023). Collection method: clinical testing. Allele origin: unknown.
Comment: This variant is considered benign. This variant is a silent/synonymous amino acid change and it is not expected to impact splicing.

GeneDx
Classification: Likely benign. Last evaluated: 2020-11-09. Review status: criteria provided, single submitter. Criteria: GeneDx Variant Classification Process June 2021. Collection method: clinical testing. Allele origin: germline. Affected: yes.

Ambry Genetics
Classification: Likely benign for Hereditary cancer-predisposing syndrome. Last evaluated: 2018-06-18. Review status: criteria provided, single submitter. Criteria: Ambry Variant Classification Scheme 2023. Collection method: clinical testing. Allele origin: germline.

Color Diagnostics, LLC DBA Color Health
Classification: Likely benign for Hereditary cancer-predisposing syndrome. Last evaluated: 2017-10-02. Review status: criteria provided, single submitter. Criteria: ACMG Guidelines, 2015. Collection method: clinical testing. Allele origin: germline.

Department of Pathology and Laboratory Medicine, Sinai Health System
Classification: Likely benign. Review status: no assertion criteria provided. Collection method: clinical testing. Allele origin: unknown. Affected: yes. Observed: 1 variant allele. Study: The Canadian Open Genetics Repository (COGR). Not counted in ClinVar's aggregate classification.
Comment: The ATM p.Gly844= variant was not identified in the literature nor was it identified in the LOVD 3.0, database. The variant was identified in dbSNP (ID: rs755261743) as "With Likely benign allele", ClinVar (classified as likely benign by Ambry Genetics, GeneDx and Athena Diagnostics). The variant was identified in control databases in 4 of 277166 chromosomes at a frequency of 0.00001 (Genome Aggregation Database Feb 27, 2017). The variant was observed in the European population in 4 of 126682 chromosomes (freq: 0.00003), while the variant was not observed in the African, Other, Latino, Ashkenazi Jewish, East Asian, Finnish, and South Asian populations. The p.Gly844= variant is not expected to have clinical significance because it does not result in a change of amino acid and is not located in a known consensus splice site. In addition, in silico or computational prediction software programs (SpliceSiteFinder, MaxEntScan, NNSPLICE, GeneSplicer) do not predict a difference in splicing. In summary, based on the above information the clinical significance of this variant cannot be determined with certainty at this time although we would lean towards a more benign role for this variant. This variant is classified as likely benign.

NM_000051.4(ATM):c.2532A>G (p.Gly844=)

Gene: ATM (ATM serine/threonine kinase; plus strand). Cytogenetic location: 11q22.3.
Variant type: single nucleotide variant.
Coding change: c.2532A>G on transcript NM_000051.4 (MANE Select); coding-DNA position 2532, A replaced by G.
Protein change: p.Gly844=; no amino-acid change (glycine 844 retained).
Molecular consequence: synonymous variant.
Genome position (GRCh38, 1-based): chr11:108,267,236, A>G. VCF-style: chr11-108267236-A-G. GRCh37 (hg19) VCF-style: chr11-108137963-A-G.
Other names: c.2532A>G, p.Gly844= (NM_001351834.2).
Identifiers: ClinVar variation 183830 (VCV000183830.20), dbSNP rs755261743, ClinGen allele CA186654.